The following is an entry in ClinVar:

NM_138348.6(OTULIN):c.692C>G (p.Ala231Gly)

Gene: OTULIN (OTU deubiquitinase with linear linkage specificity; plus strand). Cytogenetic location: 5p15.2.
Variant type: single nucleotide variant.
Coding change: c.692C>G on transcript NM_138348.6 (MANE Select); coding-DNA position 692, C replaced by G.
Protein change: p.Ala231Gly; replaces alanine 231 with glycine.
Molecular consequence: missense variant.
Genome position (GRCh38, 1-based): chr5:14,690,136, C>G. VCF-style: chr5-14690136-C-G. GRCh37 (hg19) VCF-style: chr5-14690245-C-G.
Other names: short protein forms A231G.
Identifiers: ClinVar variation 1367341 (VCV001367341.6), dbSNP rs765820054, ClinGen allele CA3208672.

ClinVar aggregate classification (germline): Uncertain significance (1 of 4 stars; one submission).

Allele frequency attached by ClinVar (database versions not stated): gnomAD exomes below 0.00001; ExAC 0.00001.
gnomAD v4.1: 2 of 1,614,062 alleles (0.00012%); highest among the groups gnomAD compares: Non-Finnish European, 0.00017%; no homozygotes.

Submission:

Labcorp Genetics (formerly Invitae), Labcorp
Classification: Uncertain significance. Last evaluated: 2022-07-19. Review status: criteria provided, single submitter. Criteria: Invitae Variant Classification Sherloc (09022015). Collection method: clinical testing. Allele origin: germline.
Comment: Algorithms developed to predict the effect of missense changes on protein structure and function are either unavailable or do not agree on the potential impact of this missense change (SIFT: "Tolerated"; PolyPhen-2: "Possibly Damaging"; Align-GVGD: "Class C0"). ClinVar contains an entry for this variant (Variation ID: 1367341). This variant has not been reported in the literature in individuals affected with OTULIN-related conditions. This variant is present in population databases (rs765820054, gnomAD 0.0009%). This sequence change replaces alanine, which is neutral and non-polar, with glycine, which is neutral and non-polar, at codon 231 of the OTULIN protein (p.Ala231Gly). Algorithms developed to predict the effect of sequence changes on RNA splicing suggest that this variant may create or strengthen a splice site. In summary, the available evidence is currently insufficient to determine the role of this variant in disease. Therefore, it has been classified as a Variant of Uncertain Significance.